The following is an entry in ClinVar:

ClinVar aggregate classification (germline): Uncertain significance (1 of 4 stars; one submission).

gnomAD v4.1: 6 of 1,612,854 alleles (0.00037%); highest among the groups gnomAD compares: Non-Finnish European, 0.00051%; no homozygotes.

Submission:

Women's Health and Genetics/Laboratory Corporation of America, LabCorp
Classification: Uncertain significance. Last evaluated: 2025-11-17. Review status: criteria provided, single submitter. Criteria: LabCorp Variant Classification Summary - May 2015. Collection method: clinical testing. Allele origin: germline.
Comment: Variant summary: SYNE2 c.17213G>C (p.Arg5738Thr) results in a non-conservative amino acid change in the encoded protein sequence. Algorithms developed to predict the effect of missense changes on protein structure and function are either unavailable or do not agree on the potential impact of this missense change. The variant was absent in 248576 control chromosomes. The available data on variant occurrences in the general population are insufficient to allow any conclusion about variant significance. To our knowledge, no occurrence of c.17213G>C in individuals affected with SYNE2-related conditions and no experimental evidence demonstrating its impact on protein function have been reported. No submitters have cited clinical-significance assessments for this variant to ClinVar. Based on the evidence outlined above, the variant was classified as uncertain significance.

NM_182914.3(SYNE2):c.17213G>C (p.Arg5738Thr)

Gene: SYNE2 (spectrin repeat containing nuclear envelope protein 2; plus strand). Cytogenetic location: 14q23.2.
Variant type: single nucleotide variant.
Coding change: c.17213G>C on transcript NM_182914.3 (MANE Select); coding-DNA position 17213, G replaced by C.
Protein change: p.Arg5738Thr; replaces arginine 5738 with threonine.
Molecular consequence: missense variant.
Genome position (GRCh38, 1-based): chr14:64,170,440, G>C. VCF-style: chr14-64170440-G-C. GRCh37 (hg19) VCF-style: chr14-64637158-G-C.
Other names: c.17213G>C, p.Arg5738Thr (NM_015180.6); short protein forms R5738T.
Identifiers: ClinVar variation 4536659 (VCV004536659.1).